The following is an entry in ClinVar:

ClinVar aggregate classification (germline): Likely benign (1 of 4 stars; one submission).

Submission:

CeGaT Center for Human Genetics Tuebingen
Classification: Likely benign. Last evaluated: 2022-11-01. Review status: criteria provided, single submitter. Criteria: CeGaT Center For Human Genetics Tuebingen Variant Classification Criteria Version 2. Collection method: clinical testing. Allele origin: germline. Affected: yes. Observed: 1 variant allele.
Comment: DDN: PM2:Supporting, BP4, BP7

NM_015086.2(DDN):c.738C>G (p.Pro246=)

Gene: DDN (dendrin; minus strand). Cytogenetic location: 12q13.12.
Variant type: single nucleotide variant.
Coding change: c.738C>G on transcript NM_015086.2 (MANE Select); coding-DNA position 738, C replaced by G.
Protein change: p.Pro246=; no amino-acid change (proline 246 retained).
Molecular consequence: synonymous variant.
Genome position (GRCh38, 1-based): chr12:48,998,138, G>C on the plus strand (C>G on the coding strand, the complement: DDN is on the minus strand). VCF-style: chr12-48998138-G-C. GRCh37 (hg19) VCF-style: chr12-49391921-G-C.
Identifiers: ClinVar variation 2642930 (VCV002642930.24), dbSNP rs2498960970, ClinGen allele CA479705291.
Genomic context (GRCh38, chr12:48,998,138, plus strand): 5'-TCCGTCTGTCCTGGCTGGAGTCGCAGCTGGGGCTGATGAAGTGGGCACCTGAGAGTTCCC[G>C]GGGCCTCTCTTAGTCCCCAAGGTCCTATGGGGGCCTTCGTAAGAAGGTGGAGCCACGTAG-3'
Protein context (NP_055901.2, residues 236-256): PHRTLGTKRG[Pro246=]GNSQVPTSSA